The following is an entry in ClinVar:

NM_001846.4(COL4A2):c.275A>G (p.Glu92Gly)

Gene: COL4A2 (collagen type IV alpha 2 chain; plus strand). Cytogenetic location: 13q34.
Variant type: single nucleotide variant.
Coding change: c.275A>G on transcript NM_001846.4 (MANE Select); coding-DNA position 275, A replaced by G.
Protein change: p.Glu92Gly; replaces glutamic acid 92 with glycine.
Molecular consequence: missense variant.
Genome position (GRCh38, 1-based): chr13:110,424,828, A>G. VCF-style: chr13-110424828-A-G. GRCh37 (hg19) VCF-style: chr13-111077175-A-G.
Other names: short protein forms E92G.
Identifiers: ClinVar variation 3364090 (VCV003364090.1).

ClinVar aggregate classification (germline): Uncertain significance (1 of 4 stars; one submission).

gnomAD v4.1: 2 of 1,614,112 alleles (0.00012%); highest among the groups gnomAD compares: Non-Finnish European, 0.00017%; no homozygotes.

Submission:

GeneDx
Classification: Uncertain significance. Last evaluated: 2023-11-08. Review status: criteria provided, single submitter. Criteria: GeneDx Variant Classification Process June 2021. Collection method: clinical testing. Allele origin: germline. Affected: yes.
Comment: Not observed at significant frequency in large population cohorts (gnomAD); In silico analysis supports that this missense variant has a deleterious effect on protein structure/function; Has not been previously published as pathogenic or benign to our knowledge